The following is an entry in ClinVar:

NM_001385875.1(ZFYVE27):c.-1G>A

Gene: ZFYVE27 (zinc finger FYVE-type containing 27; plus strand). Cytogenetic location: 10q24.2.
Variant type: single nucleotide variant.
Coding change: c.-1G>A on transcript NM_001385875.1 (MANE Select); 1 bases upstream of the start codon, G replaced by A.
Molecular consequence: 5 prime UTR variant. On other transcripts: non-coding transcript variant (17), intron variant (5).
Genome position (GRCh38, 1-based): chr10:97,738,477, G>A. VCF-style: chr10-97738477-G-A. GRCh37 (hg19) VCF-style: chr10-99498234-G-A.
Other names: c.-1G>A (NM_001002262.4, NM_001174119.2, NM_001174120.2 and 24 more transcripts); c.-180G>A (NM_001385890.1, NM_001385893.1, NM_001385895.1 and 2 more transcripts); c.-167G>A (NM_001385899.1, NM_001385900.1, NM_001385903.1 and 5 more transcripts); c.-195G>A (NM_001385915.1); c.-8+1156G>A (NM_001385891.1, NM_001385894.1, NM_001385892.1 and 1 more transcripts); c.-27+1156G>A (NM_001174121.2).
Identifiers: ClinVar variation 301827 (VCV000301827.16), dbSNP rs3818876, ClinGen allele CA5635024.

ClinVar aggregate classification (germline): Benign. Review status: criteria provided, multiple submitters, no conflicts (2 of 4 stars). 5 submissions from 5 submitters: Benign (5). Last evaluated 2025-01-28.

Conditions:
Hereditary spastic paraplegia 33. Also called: SPASTIC PARAPLEGIA 33, AUTOSOMAL DOMINANT. Identifiers: MedGen C1853251, MONDO:0012448, OMIM 610244.
Spastic paraplegia. Identifiers: MedGen C0037772, HP:0001258.

Allele frequency attached by ClinVar (database versions not stated): 1000 Genomes Project 30x 0.43301; 1000 Genomes Project 0.43690; TOPMed 0.49191; gnomAD 0.51505 and 0.51770; ESP Exome Variant Server 0.52230; ExAC 0.53042; gnomAD exomes 0.53060 and 0.58195.
gnomAD v4.1: 927,012 of 1,613,308 alleles (57%); highest among the groups gnomAD compares: Non-Finnish European, 61%; 272,882 homozygotes.

Submissions (5):

Labcorp Genetics (formerly Invitae), Labcorp
Classification: Benign for Spastic paraplegia. Last evaluated: 2025-01-28. Review status: criteria provided, single submitter. Criteria: Invitae Variant Classification Sherloc (09022015). Collection method: clinical testing. Allele origin: germline.

Genome-Nilou Lab
Classification: Benign for Hereditary spastic paraplegia 33. Last evaluated: 2021-12-05. Review status: criteria provided, single submitter. Criteria: ACMG Guidelines, 2015. Collection method: clinical testing. Allele origin: germline. Affected: no.

Illumina Laboratory Services, Illumina
Classification: Benign for Hereditary spastic paraplegia 33. Last evaluated: 2018-01-13. Review status: criteria provided, single submitter. Criteria: ICSL Variant Classification Criteria 13 December 2019. Collection method: clinical testing. Allele origin: germline.
Comment: This variant was observed in the ICSL laboratory as part of a predisposition screen in an ostensibly healthy population. It had not been previously curated by ICSL or reported in the Human Gene Mutation Database (HGMD: prior to June 1st, 2018), and was therefore a candidate for classification through an automated scoring system. Utilizing variant allele frequency, disease prevalence and penetrance estimates, and inheritance mode, an automated score was calculated to assess if this variant is too frequent to cause the disease. Based on the score and internal cut-off values, a variant classified as benign is not then subjected to further curation. The score for this variant resulted in a classification of benign for this disease.

Mayo Clinic Laboratories, Mayo Clinic
Classification: Benign. Last evaluated: 2016-03-01. Review status: criteria provided, single submitter. Criteria: ACMG Guidelines, 2015. Collection method: clinical testing. Allele origin: germline. Observed: 370 variant alleles.

Breakthrough Genomics
Classification: Benign. Review status: criteria provided, single submitter. Criteria: ACMG Guidelines, 2015. Collection method: not provided. Allele origin: germline. Inheritance: Autosomal dominant inheritance. Affected: yes.